The following is an entry in ClinVar:

NM_004519.4(KCNQ3):c.962A>G (p.Asp321Gly)

Gene: KCNQ3 (potassium voltage-gated channel subfamily Q member 3; minus strand). Cytogenetic location: 8q24.22.
Variant type: single nucleotide variant.
Coding change: c.962A>G on transcript NM_004519.4 (MANE Select); coding-DNA position 962, A replaced by G.
Protein change: p.Asp321Gly; replaces aspartic acid 321 with glycine.
Molecular consequence: missense variant.
Genome position (GRCh38, 1-based): chr8:132,174,321, T>C on the plus strand (A>G on the coding strand, the complement: KCNQ3 is on the minus strand). VCF-style: chr8-132174321-T-C. GRCh37 (hg19) VCF-style: chr8-133186568-T-C.
Other names: c.602A>G, p.Asp201Gly (NM_001204824.2); short protein forms D201G, D321G.
Identifiers: ClinVar variation 2663514 (VCV002663514.2), dbSNP rs2536941549, ClinGen allele CA372290218.

ClinVar aggregate classification (germline): Uncertain significance (1 of 4 stars; one submission).

Submission:

GeneDx
Classification: Uncertain significance. Last evaluated: 2025-11-04. Review status: criteria provided, single submitter. Criteria: GeneDx Variant Classification Process June 2021. Collection method: clinical testing. Allele origin: germline.
Comment: Not observed at significant frequency in large population cohorts (gnomAD); In silico analysis supports that this missense variant has a deleterious effect on protein structure/function; Has not been previously published as pathogenic or benign to our knowledge